The following is an entry in ClinVar:

NM_001330260.2(SCN8A):c.4739A>G (p.Tyr1580Cys)

Gene: SCN8A (sodium voltage-gated channel alpha subunit 8; plus strand). Cytogenetic location: 12q13.13.
Variant type: single nucleotide variant.
Coding change: c.4739A>G on transcript NM_001330260.2 (MANE Select); coding-DNA position 4739, A replaced by G.
Protein change: p.Tyr1580Cys; replaces tyrosine 1580 with cysteine.
Molecular consequence: missense variant.
Genome position (GRCh38, 1-based): chr12:51,794,585, A>G. VCF-style: chr12-51794585-A-G. GRCh37 (hg19) VCF-style: chr12-52188369-A-G.
Other names: c.4616A>G, p.Tyr1539Cys (NM_001177984.3, NM_001369788.1); c.4739A>G, p.Tyr1580Cys (NM_014191.4); c.4739A>G (NM_014191.3); short protein forms Y1539C, Y1580C.
Identifiers: ClinVar variation 1016655 (VCV001016655.12), dbSNP rs1326992524, ClinGen allele CA384879259.

ClinVar aggregate classification (germline): Uncertain significance. Review status: criteria provided, multiple submitters, no conflicts (2 of 4 stars). 3 submissions from 3 submitters: Uncertain significance (3). Last evaluated 2025-06-27.

Conditions:
Early-infantile DEE. Also called: Ohtahara syndrome; Early infantile epileptic encephalopathy with suppression bursts; Early infantile epileptic encephalopathy. Identifiers: Orphanet 1934, MedGen C0393706, MONDO:0800491.

Allele frequency attached by ClinVar (database versions not stated): gnomAD exomes below 0.00001; TOPMed below 0.00001; gnomAD 0.00001.
gnomAD v4.1: 3 of 1,613,772 alleles (0.00019%); highest among the groups gnomAD compares: Admixed American, 0.0033%; no homozygotes.

Submissions (3):

Dasa
Classification: Uncertain significance. Last evaluated: 2025-06-27. Review status: criteria provided, single submitter. Criteria: DASA Assertion Criteria. Collection method: clinical testing. Allele origin: germline.
Comment: NM_001330260.2(SCN8A):c.4739A>G (p.Tyr1580Cys) is a missense variant that results in the substitution of tyrosine with cysteine. This variant is rare in population databases. Computational prediction algorithms are consistent with a deleterious effect. The currently available literature and clinical evidence are not sufficient to establish a definitive association between this variant and the reported condition. Therefore, this variant is classified as a variant of uncertain significance.

GeneDx
Classification: Uncertain significance. Last evaluated: 2024-02-14. Review status: criteria provided, single submitter. Criteria: GeneDx Variant Classification Process June 2021. Collection method: clinical testing. Allele origin: germline. Affected: yes.
Comment: In silico analysis supports that this missense variant has a deleterious effect on protein structure/function; This substitution is predicted to be within the intracellular loop between the S2 and S3 transmembrane segments of the fourth homologous domain.; Has not been previously published as pathogenic or benign to our knowledge

Labcorp Genetics (formerly Invitae), Labcorp
Classification: Uncertain significance for Early-infantile DEE. Last evaluated: 2023-10-09. Review status: criteria provided, single submitter. Criteria: Invitae Variant Classification Sherloc (09022015). Collection method: clinical testing. Allele origin: germline.
Comment: This sequence change replaces tyrosine, which is neutral and polar, with cysteine, which is neutral and slightly polar, at codon 1580 of the SCN8A protein (p.Tyr1580Cys). This variant is present in population databases (no rsID available, gnomAD 0.003%). This variant has not been reported in the literature in individuals affected with SCN8A-related conditions. ClinVar contains an entry for this variant (Variation ID: 1016655). Advanced modeling of protein sequence and biophysical properties (such as structural, functional, and spatial information, amino acid conservation, physicochemical variation, residue mobility, and thermodynamic stability) performed at Invitae indicates that this missense variant is expected to disrupt SCN8A protein function. In summary, the available evidence is currently insufficient to determine the role of this variant in disease. Therefore, it has been classified as a Variant of Uncertain Significance.